The following is an entry in ClinVar:

NM_181523.3(PIK3R1):c.376G>A (p.Asp126Asn)

Gene: PIK3R1 (phosphoinositide-3-kinase regulatory subunit 1; plus strand). Cytogenetic location: 5q13.1.
Variant type: single nucleotide variant.
Coding change: c.376G>A on transcript NM_181523.3 (MANE Select); coding-DNA position 376, G replaced by A.
Protein change: p.Asp126Asn; replaces aspartic acid 126 with asparagine.
Molecular consequence: missense variant.
Genome position (GRCh38, 1-based): chr5:68,273,431, G>A. VCF-style: chr5-68273431-G-A. GRCh37 (hg19) VCF-style: chr5-67569259-G-A.
Other names: short protein forms D126N.
Identifiers: ClinVar variation 2100975 (VCV002100975.4), dbSNP rs2530928626, ClinGen allele CA359872596.

ClinVar aggregate classification (germline): Uncertain significance (1 of 4 stars; one submission).

Conditions:
SHORT syndrome. Also called: SHORT STATURE, HYPEREXTENSIBILITY, HERNIA, OCULAR DEPRESSION, RIEGER ANOMALY, AND TEETHING DELAY; PIK3R1-Related SHORT Syndrome; LIPODYSTROPHY, PARTIAL, WITH RIEGER ANOMALY AND SHORT STATURE. Identifiers: Orphanet 3163, MedGen C0878684, MONDO:0010026, OMIM 269880.
Agammaglobulinemia 7, autosomal recessive (AGM7). Also called: AGAMMAGLOBULINEMIA, AUTOSOMAL RECESSIVE, DUE TO PIK3R1 DEFECT. Identifiers: MedGen C3554689, MONDO:0014083, OMIM 615214.
Immunodeficiency 36 with lymphoproliferation. Also called: ACTIVATED PI3K-DELTA SYNDROME 2; Immunodeficiency 36; Activated PI3K Delta Syndrome Type 2 (APDS2). Identifiers: Orphanet 397596, Orphanet 693681, MedGen C4014934, MONDO:0014453, OMIM 616005.

Submission:

Labcorp Genetics (formerly Invitae), Labcorp
Classification: Uncertain significance for SHORT syndrome; Immunodeficiency 36 with lymphoproliferation; Agammaglobulinemia 7, autosomal recessive. Last evaluated: 2024-12-09. Review status: criteria provided, single submitter. Criteria: Invitae Variant Classification Sherloc (09022015). Collection method: clinical testing. Allele origin: germline.
Comment: This sequence change replaces aspartic acid, which is acidic and polar, with asparagine, which is neutral and polar, at codon 126 of the PIK3R1 protein (p.Asp126Asn). This variant is not present in population databases (gnomAD no frequency). This variant has not been reported in the literature in individuals affected with PIK3R1-related conditions. ClinVar contains an entry for this variant (Variation ID: 2100975). An algorithm developed to predict the effect of missense changes on protein structure and function (PolyPhen-2) suggests that this variant is likely to be tolerated. In summary, the available evidence is currently insufficient to determine the role of this variant in disease. Therefore, it has been classified as a Variant of Uncertain Significance.